The following is an entry in ClinVar:

ClinVar aggregate classification (germline): Uncertain significance. Review status: criteria provided, multiple submitters, no conflicts (2 of 4 stars). 2 submissions from 2 submitters: Uncertain significance (2). Last evaluated 2021-08-15.

Conditions:
Hereditary cancer-predisposing syndrome. Also called: Neoplastic Syndromes, Hereditary; Tumor predisposition; Hereditary Cancer Syndrome; Hereditary neoplastic syndrome. Identifiers: Orphanet 140162, MedGen C0027672, MeSH D009386, MONDO:0015356.
Ataxia-telangiectasia syndrome (AT). Also called: Ataxia telangiectasia (A-T); ATAXIA-TELANGIECTASIA, COMPLEMENTATION GROUP A; ATAXIA-TELANGIECTASIA, FRESNO VARIANT; Ataxia-telangiectasia; Ataxia-telangiectasia, complementation group E; LOUIS-BAR SYNDROME. Identifiers: Orphanet 100, MedGen C0004135, MONDO:0008840, OMIM 208900.

Submissions (2):

Ambry Genetics
Classification: Uncertain significance for Hereditary cancer-predisposing syndrome. Last evaluated: 2021-08-15. Review status: criteria provided, single submitter. Criteria: Ambry Variant Classification Scheme 2023. Collection method: clinical testing. Allele origin: germline.
Comment: The p.C2770F variant (also known as c.8309G>T), located in coding exon 56 of the ATM gene, results from a G to T substitution at nucleotide position 8309. The cysteine at codon 2770 is replaced by phenylalanine, an amino acid with highly dissimilar properties. This amino acid position is conserved. In addition, this alteration is predicted to be deleterious by in silico analysis. Since supporting evidence is limited at this time, the clinical significance of this alteration remains unclear.

Labcorp Genetics (formerly Invitae), Labcorp
Classification: Uncertain significance for Ataxia-telangiectasia syndrome. Last evaluated: 2020-06-29. Review status: criteria provided, single submitter. Criteria: Invitae Variant Classification Sherloc (09022015). Collection method: clinical testing. Allele origin: germline.
Comment: In summary, the available evidence is currently insufficient to determine the role of this variant in disease. Therefore, it has been classified as a Variant of Uncertain Significance. Algorithms developed to predict the effect of missense changes on protein structure and function (SIFT, PolyPhen-2, Align-GVGD) all suggest that this variant is likely to be disruptive, but these predictions have not been confirmed by published functional studies and their clinical significance is uncertain. This variant has not been reported in the literature in individuals with ATM-related conditions. This variant is not present in population databases (ExAC no frequency). This sequence change replaces cysteine with phenylalanine at codon 2770 of the ATM protein (p.Cys2770Phe). The cysteine residue is highly conserved and there is a large physicochemical difference between cysteine and phenylalanine.

NM_000051.4(ATM):c.8309G>T (p.Cys2770Phe)

Genes: ATM (ATM serine/threonine kinase; plus strand), C11orf65 (chromosome 11 open reading frame 65; minus strand). Cytogenetic location: 11q22.3.
Variant type: single nucleotide variant.
Coding change: c.8309G>T on transcript NM_000051.4 (MANE Select); coding-DNA position 8309, G replaced by T.
Protein change: p.Cys2770Phe; replaces cysteine 2770 with phenylalanine.
Molecular consequence: missense variant. On other transcripts: intron variant (2).
Genome position (GRCh38, 1-based): chr11:108,343,262, G>T. VCF-style: chr11-108343262-G-T. GRCh37 (hg19) VCF-style: chr11-108213989-G-T.
Other names: c.8309G>T, p.Cys2770Phe (NM_001351834.2); c.641-34191C>A (NM_001330368.2); c.695-7970C>A (NM_001351110.2); short protein forms C2770F.
Identifiers: ClinVar variation 1018953 (VCV001018953.11), dbSNP rs2087816795, ClinGen allele CA382516360.
Genomic context (GRCh38, chr11:108,343,262, plus strand): 5'-TATTTAATCTGTAACTCCAGGTGGTTCCCCTCTCTCAGCGAAGTGGTGTTCTTGAATGGT[G>T]CACAGGAACTGTCCCCATTGGTGAATTTCTTGTTAACAATGAAGATGGTGCTCATAAAAG-3'
Protein context (NP_000042.3, residues 2760-2780): LSQRSGVLEW[Cys2770Phe]TGTVPIGEFL